The following is an entry in ClinVar:

ClinVar aggregate classification (germline): Uncertain significance. Review status: criteria provided, multiple submitters, no conflicts (2 of 4 stars). 3 submissions from 3 submitters: Uncertain significance (3). Last evaluated 2025-03-10.

Conditions:
Tumoral calcinosis, hyperphosphatemic, familial, 3. Identifiers: MedGen C4693864, MONDO:0060715, OMIM 617994.

Allele frequency attached by ClinVar (database versions not stated): ExAC 0.00012; gnomAD exomes 0.00012; ESP Exome Variant Server 0.00046; gnomAD 0.00048; TOPMed 0.00051.
gnomAD v4.1: 149 of 1,614,176 alleles (0.0092%); highest among the groups gnomAD compares: African/African-American, 0.15%; no homozygotes.

Submissions (3):

Labcorp Genetics (formerly Invitae), Labcorp
Classification: Uncertain significance. Last evaluated: 2025-03-10. Review status: criteria provided, single submitter. Criteria: Invitae Variant Classification Sherloc (09022015). Collection method: clinical testing. Allele origin: germline.
Comment: This sequence change replaces asparagine, which is neutral and polar, with lysine, which is basic and polar, at codon 857 of the KL protein (p.Asn857Lys). This variant is present in population databases (rs140707985, gnomAD 0.2%), and has an allele count higher than expected for a pathogenic variant. This variant has not been reported in the literature in individuals affected with KL-related conditions. ClinVar contains an entry for this variant (Variation ID: 881927). Invitae Evidence Modeling of protein sequence and biophysical properties (such as structural, functional, and spatial information, amino acid conservation, physicochemical variation, residue mobility, and thermodynamic stability) indicates that this missense variant is not expected to disrupt KL protein function with a negative predictive value of 80%. In summary, the available evidence is currently insufficient to determine the role of this variant in disease. Therefore, it has been classified as a Variant of Uncertain Significance.

Ambry Genetics
Classification: Uncertain significance. Last evaluated: 2021-08-30. Review status: criteria provided, single submitter. Criteria: Ambry Variant Classification Scheme 2023. Collection method: clinical testing. Allele origin: germline.

Illumina Laboratory Services, Illumina
Classification: Uncertain significance for Tumoral calcinosis, hyperphosphatemic, familial, 3. Last evaluated: 2018-01-13. Review status: criteria provided, single submitter. Criteria: ICSL Variant Classification Criteria 13 December 2019. Collection method: clinical testing. Allele origin: germline.

NM_004795.4(KL):c.2571C>A (p.Asn857Lys)

Gene: KL (klotho; plus strand). Cytogenetic location: 13q13.1.
Variant type: single nucleotide variant.
Coding change: c.2571C>A on transcript NM_004795.4 (MANE Select); coding-DNA position 2571, C replaced by A.
Protein change: p.Asn857Lys; replaces asparagine 857 with lysine.
Molecular consequence: missense variant.
Genome position (GRCh38, 1-based): chr13:33,061,650, C>A. VCF-style: chr13-33061650-C-A. GRCh37 (hg19) VCF-style: chr13-33635787-C-A.
Other names: short protein forms N857K.
Identifiers: ClinVar variation 881927 (VCV000881927.10), dbSNP rs140707985, ClinGen allele CA6944332.